The following is an entry in ClinVar:

ClinVar aggregate classification (germline): Uncertain significance (1 of 4 stars; one submission).

Submission:

GeneDx
Classification: Uncertain significance. Last evaluated: 2023-10-26. Review status: criteria provided, single submitter. Criteria: GeneDx Variant Classification Process June 2021. Collection method: clinical testing. Allele origin: germline. Affected: yes.
Comment: Has not been previously published as pathogenic or benign to our knowledge; No data available from control populations to assess the frequency of this variant; Canonical splice site variant in a gene for which loss-of-function is not an established mechanism of disease

NM_004655.4(AXIN2):c.-116-2A>C

Gene: AXIN2 (axin 2; minus strand). Cytogenetic location: 17q24.1.
Variant type: single nucleotide variant.
Coding change: c.-116-2A>C on transcript NM_004655.4 (MANE Select); the canonical splice acceptor site of the intron before 116 bases upstream of the start codon, A replaced by C.
Molecular consequence: splice acceptor variant.
Genome position (GRCh38, 1-based): chr17:65,558,738, T>G on the plus strand (A>C on the coding strand, the complement: AXIN2 is on the minus strand). VCF-style: chr17-65558738-T-G. GRCh37 (hg19) VCF-style: chr17-63554856-T-G.
Other names: c.-116-2A>C (NM_001363813.1).
Identifiers: ClinVar variation 3342887 (VCV003342887.1).